The following is an entry in ClinVar:

NM_000137.4(FAH):c.1027G>T (p.Gly343Trp)

Gene: FAH (fumarylacetoacetate hydrolase; plus strand). Cytogenetic location: 15q25.1.
Variant type: single nucleotide variant.
Coding change: c.1027G>T on transcript NM_000137.4 (MANE Select); coding-DNA position 1027, G replaced by T.
Protein change: p.Gly343Trp; replaces glycine 343 with tryptophan.
Molecular consequence: missense variant.
Genome position (GRCh38, 1-based): chr15:80,180,190, G>T. VCF-style: chr15-80180190-G-T. GRCh37 (hg19) VCF-style: chr15-80472532-G-T.
Other names: c.1027G>T, p.Gly343Trp (NM_001374377.1, NM_001374380.1); short protein forms G343W.
Identifiers: ClinVar variation 576751 (VCV000576751.23), dbSNP rs970505762, ClinGen allele CA274033572.

ClinVar aggregate classification (germline): Pathogenic/Likely pathogenic. Review status: criteria provided, multiple submitters, no conflicts (2 of 4 stars). 7 submissions from 7 submitters: Pathogenic (6); Likely pathogenic (1). Last evaluated 2026-01-27.

Conditions:
Tyrosinemia type I (TYRSN1). Also called: FAH DEFICIENCY; Deficiency of fumarylacetoacetase; HEPATORENAL TYROSINEMIA; Tyrosinemia type 1; Fumarylacetoacetase deficiency. Identifiers: Orphanet 882, MedGen C0268490, MONDO:0010161, OMIM 276700. Disease mechanism: loss of function.
FAH-related disorder. Also called: FAH-related condition.
Inborn genetic diseases. Identifiers: MedGen C0950123, MeSH D030342.

Allele frequency attached by ClinVar (database versions not stated): gnomAD exomes below 0.00001 and 0.00001; gnomAD 0.00006 and 0.00007; TOPMed 0.00012.
gnomAD v4.1: 18 of 1,609,440 alleles (0.0011%); highest among the groups gnomAD compares: Admixed American, 0.022%; no homozygotes.

Submissions (7):

Labcorp Genetics (formerly Invitae), Labcorp
Classification: Pathogenic for Tyrosinemia type I. Last evaluated: 2026-01-27. Review status: criteria provided, single submitter. Criteria: Invitae Variant Classification Sherloc (09022015). Collection method: clinical testing. Allele origin: germline.
Comment: This sequence change replaces glycine, which is neutral and non-polar, with tryptophan, which is neutral and slightly polar, at codon 343 of the FAH protein (p.Gly343Trp). This variant is present in population databases (no rsID available, gnomAD 0.003%). This missense change has been observed in individual(s) with tyrosinemia type 1 (PMID: 12203990; internal data). In at least one individual the data is consistent with being in trans (on the opposite chromosome) from a pathogenic variant. ClinVar contains an entry for this variant (Variation ID: 576751). Invitae Evidence Modeling of protein sequence and biophysical properties (such as structural, functional, and spatial information, amino acid conservation, physicochemical variation, residue mobility, and thermodynamic stability) indicates that this missense variant is expected to disrupt FAH protein function with a positive predictive value of 80%. This variant disrupts the p.Gly343 amino acid residue in FAH. Other variant(s) that disrupt this residue have been determined to be pathogenic (PMID: 21764616). This suggests that this residue is clinically significant, and that variants that disrupt this residue are likely to be disease-causing. For these reasons, this variant has been classified as Pathogenic.

PreventionGenetics, part of Exact Sciences
Classification: Pathogenic for FAH-related condition. Last evaluated: 2025-10-27. Review status: criteria provided, single submitter. Criteria: ACMG Guidelines, 2015. Collection method: clinical testing. Allele origin: germline.
Comment: The FAH c.1027G>T variant is predicted to result in the amino acid substitution p.Gly343Trp. This variant has been reported along with a known pathogenic FAH variant in multiple individuals with biochemically and enzymatically confirmed tyrosinemia type I (Arranz et al. 2002. PubMed ID: 12203990, cases HT-16 and HT-17 in Table 1; Couce et al. 2011. PubMed ID: 21752152, Table 3). In an in vitro study, the p.Gly343Trp substitution was reported to cause reduced protein expression and enzyme activity (Macias et al. 2019. PubMed ID: 31300554, Table S1). Alternate missense changes at the same amino acid position (p.Gly343Arg, p.Gly343Glu) have also been reported to be causative for tyrosinemia type I (see for example: Imtiaz et al. 2011. PubMed ID: 21764616; Hajji at al. 2022. PubMed ID: 36393896). This variant is reported in 0.0029% of alleles in individuals of Latino descent in gnomAD. This variant is interpreted as pathogenic.

Natera, Inc.
Classification: Pathogenic for Tyrosinemia type I. Last evaluated: 2025-10-16. Review status: criteria provided, single submitter. Criteria: Natera Variant Classification Schema (03/2026). Collection method: clinical testing. Allele origin: germline.
Comment: The c.1027G>T variant in FAH is a missense variant predicted to cause substitution of glycine to tryptophan at amino acid 343. This variant is rare in the general population with a frequency below the threshold expected for the associated phenotype(s). This variant has been observed in one or more individuals affected with the associated recessive disease, as either homozygous or compound heterozygous with a second variant (PMID: 12203990, 31574857). Functional studies show that this variant may disrupt protein function (PMID: 31300554). A different variant at the same position has been determined to be Pathogenic or Likely Pathogenic. Computational prediction algorithms indicate this variant is likely to affect gene or protein function. Given the available evidence, this variant is classified as Pathogenic.

Ambry Genetics
Classification: Pathogenic for Inborn genetic diseases. Last evaluated: 2025-08-28. Review status: criteria provided, single submitter. Criteria: Ambry Variant Classification Scheme 2023. Collection method: clinical testing. Allele origin: germline.
Comment: The c.1027G>T (p.G343W) alteration is located in exon 12 (coding exon 12) of the FAH gene. This alteration results from a G to T substitution at nucleotide position 1027, causing the glycine (G) at amino acid position 343 to be replaced by a tryptophan (W). Based on data from gnomAD, the T allele has an overall frequency of 0.001% (3/247234) total alleles studied. This variant has been identified in the homozygous state and/or in conjunction with other FAH variant(s) in individuals with features consistent with tyrosinemia (Arranz, 2002; Couce, 2011). Another variant at the same codon, c.1027G>A (p.G343R), has been identified in individuals with features consistent with FAH-related tyrosinemia (Dou, 2013). This amino acid position is highly conserved in available vertebrate species. This alteration is predicted to be deleterious by in silico analysis. Based on the available evidence, this alteration is classified as pathogenic.

Fulgent Genetics
Classification: Pathogenic for Tyrosinemia type I. Last evaluated: 2024-05-25. Review status: criteria provided, single submitter. Criteria: ACMG Guidelines, 2015. Collection method: clinical testing. Allele origin: germline.

Women's Health and Genetics/Laboratory Corporation of America, LabCorp
Classification: Pathogenic for Tyrosinemia type I. Last evaluated: 2024-01-11. Review status: criteria provided, single submitter. Criteria: LabCorp Variant Classification Summary - May 2015. Collection method: clinical testing. Allele origin: germline.
Comment: Variant summary: FAH c.1027G>T (p.Gly343Trp) results in a non-conservative amino acid change located in the Fumarylacetoacetase-like, C-terminal domian (IPR011234) of the encoded protein sequence. Five of five in-silico tools predict a damaging effect of the variant on protein function. The variant allele was found at a frequency of 1.2e-05 in 247234 control chromosomes (gnomAD). c.1027G>T has been reported in the literature in multiple individuals affected with Tyrosinemia Type 1 (Arranz_2002, Couce_2011, Couce_2019). These data indicate that the variant is very likely to be associated with disease. At least one publication reports experimental evidence evaluating an impact on protein function and this variant effect results in 11% of normal activity (Macias_2019). The following publications have been ascertained in the context of this evaluation (PMID: 12203990, 31574857, 21752152, 35800472, 31300554, NO_PMID). ClinVar contains an entry for this variant (Variation ID: 576751). Based on the evidence outlined above, the variant was classified as pathogenic.

Eurofins Ntd Llc (ga)
Classification: Likely pathogenic. Last evaluated: 2018-06-04. Review status: criteria provided, single submitter. Criteria: EGL ClinVar v180209 classification definitions. Collection method: clinical testing. Allele origin: germline. Observed: 1 variant allele, 1 heterozygote.

Literature cited by the submitters: PubMed 12203990 (cited by 4 submitters); PubMed 21764616 (cited by Labcorp Genetics (formerly Invitae), Labcorp); PubMed 31574857 (cited by Natera, Inc. and Women's Health and Genetics/Laboratory Corporation of America, LabCorp); PubMed 31300554 (cited by Natera, Inc. and Women's Health and Genetics/Laboratory Corporation of America, LabCorp); PubMed 21752152 (cited by Ambry Genetics and Women's Health and Genetics/Laboratory Corporation of America, LabCorp); PubMed 23927806 (cited by Ambry Genetics); PubMed 35800472 (cited by Women's Health and Genetics/Laboratory Corporation of America, LabCorp).